The following is an entry in ClinVar:

ClinVar aggregate classification (germline): Uncertain significance (1 of 4 stars; one submission).

Conditions:
PYGL-related disorder. Also called: PYGL-related condition.

Submission:

PreventionGenetics, part of Exact Sciences
Classification: Uncertain significance for PYGL-related condition. Last evaluated: 2025-06-17. Review status: criteria provided, single submitter. Criteria: ACMG Guidelines, 2015. Collection method: clinical testing. Allele origin: germline.
Comment: The PYGL c.2476T>C variant is predicted to result in the amino acid substitution p.Trp826Arg. To our knowledge, this variant has not been reported in the literature or in a large population database (gnomAD), indicating this variant is rare. At this time, the clinical significance of this variant is uncertain due to the absence of conclusive functional and genetic evidence.

NM_002863.5(PYGL):c.2476T>C (p.Trp826Arg)

Gene: PYGL (glycogen phosphorylase L; minus strand). Cytogenetic location: 14q22.1.
Variant type: single nucleotide variant.
Coding change: c.2476T>C on transcript NM_002863.5 (MANE Select); coding-DNA position 2476, T replaced by C.
Protein change: p.Trp826Arg; replaces tryptophan 826 with arginine.
Molecular consequence: missense variant.
Genome position (GRCh38, 1-based): chr14:50,905,460, A>G on the plus strand (T>C on the coding strand, the complement: PYGL is on the minus strand). VCF-style: chr14-50905460-A-G. GRCh37 (hg19) VCF-style: chr14-51372178-A-G.
Other names: c.2374T>C, p.Trp792Arg (NM_001163940.2); short protein forms W826R, W792R.
Identifiers: ClinVar variation 4998302 (VCV004998302.1).